The following is an entry in ClinVar:

ClinVar aggregate classification (germline): Uncertain significance (1 of 4 stars; one submission).

Conditions:
Granulomatous disease, chronic, autosomal recessive, cytochrome b-positive, type 2. Also called: Chronic Granulomatous Disease, Autosomal Recessive, Cytochrome b-Positive, Type II; CGD, AUTOSOMAL RECESSIVE CYTOCHROME b-POSITIVE, TYPE II; GRANULOMATOUS DISEASE, CHRONIC, AUTOSOMAL RECESSIVE, 2; Chronic granulomatous disease due to deficiency of NCF-2; GRANULOMATOUS DISEASE, CHRONIC, DUE TO NCF2 DEFICIENCY. Identifiers: Orphanet 379, MedGen C1856245, MONDO:0009310, OMIM 233710.

Allele frequency attached by ClinVar (database versions not stated): ExAC 0.00002; gnomAD exomes 0.00002; TOPMed 0.00003; gnomAD 0.00004.
gnomAD v4.1: 33 of 1,614,006 alleles (0.002%); highest among the groups gnomAD compares: Admixed American, 0.005%; no homozygotes.

Submission:

Labcorp Genetics (formerly Invitae), Labcorp
Classification: Uncertain significance for Granulomatous disease, chronic, autosomal recessive, cytochrome b-positive, type 2. Last evaluated: 2021-08-31. Review status: criteria provided, single submitter. Criteria: Invitae Variant Classification Sherloc (09022015). Collection method: clinical testing. Allele origin: germline.
Comment: This sequence change replaces asparagine with serine at codon 65 of the NCF2 protein (p.Asn65Ser). The asparagine residue is moderately conserved and there is a small physicochemical difference between asparagine and serine. This variant is present in population databases (rs778546412, ExAC 0.003%). This variant has not been reported in the literature in individuals affected with NCF2-related conditions. Algorithms developed to predict the effect of missense changes on protein structure and function output the following: SIFT: "Tolerated"; PolyPhen-2: "Benign"; Align-GVGD: "Class C0". The serine amino acid residue is found in multiple mammalian species, which suggests that this missense change does not adversely affect protein function. In summary, the available evidence is currently insufficient to determine the role of this variant in disease. Therefore, it has been classified as a Variant of Uncertain Significance.

NM_000433.4(NCF2):c.194A>G (p.Asn65Ser)

Gene: NCF2 (neutrophil cytosolic factor 2; minus strand). Cytogenetic location: 1q25.3.
Variant type: single nucleotide variant.
Coding change: c.194A>G on transcript NM_000433.4 (MANE Select); coding-DNA position 194, A replaced by G.
Protein change: p.Asn65Ser; replaces asparagine 65 with serine.
Molecular consequence: missense variant.
Genome position (GRCh38, 1-based): chr1:183,586,958, T>C on the plus strand (A>G on the coding strand, the complement: NCF2 is on the minus strand). VCF-style: chr1-183586958-T-C. GRCh37 (hg19) VCF-style: chr1-183556093-T-C.
Other names: c.194A>G, p.Asn65Ser (NM_001127651.3, NM_001190789.2, NM_001190794.2); short protein forms N65S.
Identifiers: ClinVar variation 646910 (VCV000646910.6), dbSNP rs778546412, ClinGen allele CA1285034.